The following is an entry in ClinVar:

ClinVar aggregate classification (germline): Conflicting classifications of pathogenicity. Review status: criteria provided, conflicting classifications (1 of 4 stars). 2 submissions from 2 submitters: Uncertain significance (1); Likely benign (1). Last evaluated 2025-11-09.

Conditions:
Anophthalmia/microphthalmia-esophageal atresia syndrome (MCOPS3). Also called: AEG SYNDROME; SOX2 Disorder; MICROPHTHALMIA AND ESOPHAGEAL ATRESIA SYNDROME. Identifiers: Orphanet 77298, MedGen C1859773, MONDO:0008799, OMIM 206900.
SOX2-related disorder. Also called: SOX2-related condition.

Allele frequency attached by ClinVar (database versions not stated): TOPMed 0.00005; gnomAD 0.00006 and 0.00005; ESP Exome Variant Server 0.00008; gnomAD exomes 0.00003 and 0.00004; ExAC 0.00005.
gnomAD v4.1: 68 of 1,607,830 alleles (0.0042%); highest among the groups gnomAD compares: Admixed American, 0.012%; no homozygotes.

Submissions (2):

PreventionGenetics, part of Exact Sciences
Classification: Uncertain significance for SOX2-related condition. Last evaluated: 2025-11-09. Review status: criteria provided, single submitter. Criteria: ACMG Guidelines, 2015. Collection method: clinical testing. Allele origin: germline.
Comment: The SOX2 c.397G>A variant is predicted to result in the amino acid substitution p.Ala133Thr. To our knowledge, this variant has not been reported in the literature. This variant is reported in 0.012% of alleles in individuals of Latino descent in gnomAD. Although we suspect that this variant may be benign, at this time, the clinical significance of this variant is uncertain due to the absence of conclusive functional and genetic evidence.

Labcorp Genetics (formerly Invitae), Labcorp
Classification: Likely benign for Anophthalmia/microphthalmia-esophageal atresia syndrome. Last evaluated: 2025-05-30. Review status: criteria provided, single submitter. Criteria: Invitae Variant Classification Sherloc (09022015). Collection method: clinical testing. Allele origin: germline.

NM_003106.4(SOX2):c.397G>A (p.Ala133Thr)

Genes: SOX2 (SRY-box transcription factor 2; plus strand), SOX2-OT (SOX2 overlapping transcript; plus strand), LOC108281177 (SOX2 5' regulatory region; plus strand). Cytogenetic location: 3q26.33.
Variant type: single nucleotide variant.
Coding change: c.397G>A on transcript NM_003106.4 (MANE Select); coding-DNA position 397, G replaced by A.
Protein change: p.Ala133Thr; replaces alanine 133 with threonine.
Molecular consequence: missense variant.
Genome position (GRCh38, 1-based): chr3:181,712,757, G>A. VCF-style: chr3-181712757-G-A. GRCh37 (hg19) VCF-style: chr3-181430545-G-A.
Other names: short protein forms A133T.
Identifiers: ClinVar variation 535837 (VCV000535837.10), dbSNP rs377110178, ClinGen allele CA2717265.